The following is an entry in ClinVar:

ClinVar aggregate classification (germline): Likely pathogenic. Review status: criteria provided, single submitter (1 of 4 stars). 3 submissions from 2 submitters: Likely pathogenic (1). 2 of the submissions do not count toward it. Last evaluated 2026-09-08.

Conditions:
Fabry disease. Also called: ALPHA-GALACTOSIDASE A DEFICIENCY; ANDERSON-FABRY DISEASE; CERAMIDE TRIHEXOSIDASE DEFICIENCY; Fabry's disease; Angiokeratoma corporis diffusum; Ceramide trihexosidosis. Identifiers: Orphanet 324, MedGen C0002986, MONDO:0010526, OMIM 301500, HP:0001071. Disease mechanism: loss of function, Fabry disease is due to inactivating mutations in the X-linked GLA gene resulting in deficiency of the enzyme Alpha Galactosidase-A..
Migalastat response. Also called: 1-Deoxygalactonojirimycin response; Galafold response. Identifiers: MedGen CN233149.

Submissions (3):

Genomenon, Inc
Classification: Likely pathogenic for Fabry disease. Last evaluated: 2026-09-08. Review status: criteria provided, single submitter. Criteria: Genomenon Sequence Variant Interpretation Standards - Updated. Collection method: curation. Allele origin: germline. Affected: yes.
Comment: GLA p.Met187Ile (c.561G>A) is a missense variant that changes the amino acid at codon 187 from Methionine to Isoleucine. This variant has been observed in at least one proband with clinical features consistent with Fabry disease (PMID:38395389;39348817;30723321;27657681). At least one functional study has demonstrated a substantial alteration in protein function relative to the wild-type (PMID:32023956;30723321;26415523;27657681). It is absent or not present at a significant frequency in gnomAD. In silico models predict that this variant is possibly or probably damaging. In conclusion, we classify GLA p.Met187Ile (c.561G>A) as a likely pathogenic variant.

Albrecht-Kossel-Institute, Medical University Rostock
Classification: Pathogenic for Fabry's disease. Last evaluated: 2014-01-01. Review status: no assertion criteria provided. Collection method: research. Allele origin: inherited. Not counted in ClinVar's aggregate classification.

Albrecht-Kossel-Institute, Medical University Rostock
Classification: drug response for deoxygalactonojirimycin response. Last evaluated: 2014-01-01. Review status: no assertion criteria provided. Collection method: research. Allele origin: inherited. Not counted in ClinVar's aggregate classification.

Literature cited by the submitters: PubMed 38395389 (cited by Genomenon, Inc); PubMed 39348817 (cited by Genomenon, Inc); PubMed 30723321 (cited by Genomenon, Inc); PubMed 27657681 (cited by Genomenon, Inc); PubMed 32023956 (cited by Genomenon, Inc); PubMed 26415523 (cited by Genomenon, Inc and Albrecht-Kossel-Institute, Medical University Rostock).

NM_000169.3(GLA):c.561G>A (p.Met187Ile)

Genes: GLA (galactosidase alpha; minus strand), RPL36A-HNRNPH2 (RPL36A-HNRNPH2 readthrough; plus strand). Cytogenetic location: Xq22.1.
Variant type: single nucleotide variant.
Coding change: c.561G>A on transcript NM_000169.3 (MANE Select); coding-DNA position 561, G replaced by A.
Protein change: p.Met187Ile; replaces methionine 187 with isoleucine.
Molecular consequence: missense variant. On other transcripts: non-coding transcript variant (2), intron variant (2).
Genome position (GRCh38, 1-based): chrX:101,400,744, C>T on the plus strand (G>A on the coding strand, the complement: GLA is on the minus strand). VCF-style: chrX-101400744-C-T. GRCh37 (hg19) VCF-style: chrX-100655732-C-T.
Other names: c.684G>A, p.Met228Ile (NM_001406747.1); c.561G>A, p.Met187Ile (NM_001406748.1); c.300+5287C>T (NM_001199973.2); c.177+8922C>T (NM_001199974.2); short protein forms M187I, M228I.
Identifiers: ClinVar variation 217388 (VCV000217388.3), dbSNP rs869312146, ClinGen allele CA353123.
Genomic context (GRCh38, chrX:101,400,744, plus strand): 5'-ATAAAGAGGCCACTCACAGGAGTACACAATGCTTCTGCCAGTCCTATTCAGGGCCAAGGA[C>T]ATGTGCTTATAACCTGTATGAGAAAACAATGGGTAAAATAAGGGAAAGAAATGAATTTCC-3'
Protein context (NP_000160.1, residues 177-197): LENLADGYKH[Met187Ile]SLALNRTGRS